The following is an entry in ClinVar:

NM_006059.4(LAMC3):c.4285C>G (p.Leu1429Val)

Gene: LAMC3 (laminin subunit gamma 3; plus strand). Cytogenetic location: 9q34.12.
Variant type: single nucleotide variant.
Coding change: c.4285C>G on transcript NM_006059.4 (MANE Select); coding-DNA position 4285, C replaced by G.
Protein change: p.Leu1429Val; replaces leucine 1429 with valine.
Molecular consequence: missense variant.
Genome position (GRCh38, 1-based): chr9:131,087,530, C>G. VCF-style: chr9-131087530-C-G. GRCh37 (hg19) VCF-style: chr9-133962917-C-G.
Other names: c.4285C>G (NM_006059.3); short protein forms L1429V.
Identifiers: ClinVar variation 1448334 (VCV001448334.7), dbSNP rs554637783, ClinGen allele CA5288118.

ClinVar aggregate classification (germline): Uncertain significance. Review status: criteria provided, multiple submitters, no conflicts (2 of 4 stars). 2 submissions from 2 submitters: Uncertain significance (2). Last evaluated 2026-01-18.

Conditions:
Inborn genetic diseases. Identifiers: MedGen C0950123, MeSH D030342.

Allele frequency attached by ClinVar (database versions not stated): gnomAD exomes 0.00001 and 0.00002; ExAC 0.00002; gnomAD 0.00011; TOPMed 0.00011; 1000 Genomes Project 30x 0.00016; 1000 Genomes Project 0.00020.
gnomAD v4.1: 25 of 1,613,816 alleles (0.0015%); highest among the groups gnomAD compares: African/African-American, 0.029%; no homozygotes.

Submissions (2):

Labcorp Genetics (formerly Invitae), Labcorp
Classification: Uncertain significance. Last evaluated: 2026-01-18. Review status: criteria provided, single submitter. Criteria: Invitae Variant Classification Sherloc (09022015). Collection method: clinical testing. Allele origin: germline.
Comment: This sequence change replaces leucine, which is neutral and non-polar, with valine, which is neutral and non-polar, at codon 1429 of the LAMC3 protein (p.Leu1429Val). This variant is present in population databases (rs554637783, gnomAD 0.04%). This variant has not been reported in the literature in individuals affected with LAMC3-related conditions. ClinVar contains an entry for this variant (Variation ID: 1448334). An algorithm developed to predict the effect of missense changes on protein structure and function (PolyPhen-2) suggests that this variant is likely to be disruptive. In summary, the available evidence is currently insufficient to determine the role of this variant in disease. Therefore, it has been classified as a Variant of Uncertain Significance.

Ambry Genetics
Classification: Uncertain significance for Inborn genetic diseases. Last evaluated: 2025-06-30. Review status: criteria provided, single submitter. Criteria: Ambry Variant Classification Scheme 2023. Collection method: clinical testing. Allele origin: germline.